The following is an entry in ClinVar:

ClinVar aggregate classification (germline): Uncertain significance. Review status: criteria provided, single submitter (1 of 4 stars). 2 submissions from 2 submitters: Uncertain significance (1). 1 of the submissions does not count toward it. Last evaluated 2022-03-08.

Conditions:
Glycogen storage disease type III (GSD3). Also called: FORBES DISEASE; Cori disease. Identifiers: Orphanet 366, MedGen C0017922, MONDO:0009291, OMIM 232400.

Allele frequency attached by ClinVar (database versions not stated): gnomAD exomes below 0.00001 and 0.00001; ExAC 0.00001.
gnomAD v4.1: 3 of 1,613,874 alleles (0.00019%); highest among the groups gnomAD compares: Non-Finnish European, 0.00025%; no homozygotes.

Submissions (2):

Labcorp Genetics (formerly Invitae), Labcorp
Classification: Uncertain significance for Glycogen storage disease type III. Last evaluated: 2022-03-08. Review status: criteria provided, single submitter. Criteria: Invitae Variant Classification Sherloc (09022015). Collection method: clinical testing. Allele origin: germline.
Comment: This sequence change replaces serine, which is neutral and polar, with leucine, which is neutral and non-polar, at codon 757 of the AGL protein (p.Ser757Leu). This variant is present in population databases (rs746130741, gnomAD 0.002%). This variant has not been reported in the literature in individuals affected with AGL-related conditions. ClinVar contains an entry for this variant (Variation ID: 456468). Algorithms developed to predict the effect of missense changes on protein structure and function (SIFT, PolyPhen-2, Align-GVGD) all suggest that this variant is likely to be tolerated. In summary, the available evidence is currently insufficient to determine the role of this variant in disease. Therefore, it has been classified as a Variant of Uncertain Significance.

Natera, Inc.
Classification: Uncertain significance for Glycogen storage disease type III. Last evaluated: 2020-09-16. Review status: no assertion criteria provided. Collection method: clinical testing. Allele origin: germline. Not counted in ClinVar's aggregate classification.

NM_000642.3(AGL):c.2270C>T (p.Ser757Leu)

Gene: AGL (amylo-alpha-1,6-glucosidase and 4-alpha-glucanotransferase; plus strand). Cytogenetic location: 1p21.2.
Variant type: single nucleotide variant.
Coding change: c.2270C>T on transcript NM_000642.3 (MANE Select); coding-DNA position 2270, C replaced by T.
Protein change: p.Ser757Leu; replaces serine 757 with leucine.
Molecular consequence: missense variant.
Genome position (GRCh38, 1-based): chr1:99,881,653, C>T. VCF-style: chr1-99881653-C-T. GRCh37 (hg19) VCF-style: chr1-100347209-C-T.
Other names: c.2270C>T, p.Ser757Leu (NM_000028.3, NM_000643.3, NM_000644.3 and 2 more transcripts); c.2222C>T, p.Ser741Leu (NM_000646.3); c.2069C>T, p.Ser690Leu (NM_001425327.1); c.2066C>T, p.Ser689Leu (NM_001425328.1, NM_001425329.1); c.1892C>T, p.Ser631Leu (NM_001425332.1); short protein forms S757L, S741L, S631L, S689L, S690L.
Identifiers: ClinVar variation 456468 (VCV000456468.5), dbSNP rs746130741, ClinGen allele CA966729.